The following is an entry in ClinVar:

NM_004408.4(DNM1):c.1906-17T>C

Gene: DNM1 (dynamin 1; plus strand). Cytogenetic location: 9q34.11.
Variant type: single nucleotide variant.
Coding change: c.1906-17T>C on transcript NM_004408.4 (MANE Select); 17 bases into the intron before coding-DNA position 1906, T replaced by C.
Molecular consequence: intron variant.
Genome position (GRCh38, 1-based): chr9:128,248,566, T>C. VCF-style: chr9-128248566-T-C. GRCh37 (hg19) VCF-style: chr9-131010845-T-C.
Other names: c.1906-17T>C (NM_001005336.3, NM_001288738.2, NM_001288737.2 and 1 more transcripts).
Identifiers: ClinVar variation 506298 (VCV000506298.11), dbSNP rs191460911, ClinGen allele CA5258390.

ClinVar aggregate classification (germline): Benign/Likely benign. Review status: criteria provided, multiple submitters, no conflicts (2 of 4 stars). 4 submissions from 4 submitters: Benign (3); Likely benign (1). Last evaluated 2026-01-22.

Conditions:
Developmental and epileptic encephalopathy, 31A. Also called: Epileptic encephalopathy, early infantile, 31; Developmental and epileptic encephalopathy, 31. Identifiers: Orphanet 2382, MedGen C4225357, MONDO:0014598, OMIM 616346.

Allele frequency attached by ClinVar (database versions not stated): gnomAD exomes 0.00027 and 0.00054; ExAC 0.00057; ESP Exome Variant Server 0.00177; gnomAD 0.00211 and 0.00225; TOPMed 0.00222; 1000 Genomes Project 30x 0.00234; 1000 Genomes Project 0.00240.
gnomAD v4.1: 758 of 1,610,172 alleles (0.047%); highest among the groups gnomAD compares: African/African-American, 0.84%; 5 homozygotes.

Submissions (4):

Labcorp Genetics (formerly Invitae), Labcorp
Classification: Benign for Developmental and epileptic encephalopathy, 31A. Last evaluated: 2026-01-22. Review status: criteria provided, single submitter. Criteria: Invitae Variant Classification Sherloc (09022015). Collection method: clinical testing. Allele origin: germline.

Blueprint Genetics
Classification: Likely benign. Last evaluated: 2024-11-01. Review status: criteria provided, single submitter. Criteria: ACMG Guidelines, 2015. Collection method: clinical testing. Allele origin: germline.

ARUP Laboratories, Molecular Genetics and Genomics, ARUP Laboratories
Classification: Benign. Last evaluated: 2024-10-11. Review status: criteria provided, single submitter. Criteria: ARUP Molecular Germline Variant Investigation Process 2024. Collection method: clinical testing. Allele origin: germline.

GeneDx
Classification: Benign. Last evaluated: 2017-03-02. Review status: criteria provided, single submitter. Criteria: GeneDx Variant Classification (06012015). Collection method: clinical testing. Allele origin: germline. Affected: yes.
Comment: This variant is considered likely benign or benign based on one or more of the following criteria: it is a conservative change, it occurs at a poorly conserved position in the protein, it is predicted to be benign by multiple in silico algorithms, and/or has population frequency not consistent with disease.